The following is an entry in ClinVar:

ClinVar aggregate classification (germline): Uncertain significance (1 of 4 stars; one submission).

Submission:

Laboratorio de Genetica e Diagnostico Molecular, Hospital Israelita Albert Einstein
Classification: Uncertain significance. Last evaluated: 2022-01-13. Review status: criteria provided, single submitter. Criteria: ACMG Guidelines, 2015. Collection method: clinical testing. Allele origin: germline. Affected: yes.
Comment: ACMG classification criteria: PM2, PP3

NM_173495.3(PTCHD1):c.145G>A (p.Glu49Lys)

Gene: PTCHD1 (patched domain containing 1; plus strand). Cytogenetic location: Xp22.11.
Variant type: single nucleotide variant.
Coding change: c.145G>A on transcript NM_173495.3 (MANE Select); coding-DNA position 145, G replaced by A.
Protein change: p.Glu49Lys; replaces glutamic acid 49 with lysine.
Molecular consequence: missense variant.
Genome position (GRCh38, 1-based): chrX:23,335,020, G>A. VCF-style: chrX-23335020-G-A. GRCh37 (hg19) VCF-style: chrX-23353137-G-A.
Other names: short protein forms E49K.
Identifiers: ClinVar variation 1690550 (VCV001690550.2), dbSNP rs2146604247, ClinGen allele CA412579033.